The following is an entry in ClinVar:

NM_000755.5(CRAT):c.1478T>G (p.Val493Gly)

Gene: CRAT (carnitine O-acetyltransferase; minus strand). Cytogenetic location: 9q34.11.
Variant type: single nucleotide variant.
Coding change: c.1478T>G on transcript NM_000755.5 (MANE Select); coding-DNA position 1478, T replaced by G.
Protein change: p.Val493Gly; replaces valine 493 with glycine.
Molecular consequence: missense variant.
Genome position (GRCh38, 1-based): chr9:129,097,299, A>C on the plus strand (T>G on the coding strand, the complement: CRAT is on the minus strand). VCF-style: chr9-129097299-A-C. GRCh37 (hg19) VCF-style: chr9-131859578-A-C.
Other names: c.1415T>G, p.Val472Gly (NM_001346548.2, NM_004003.4, NM_001257363.3); c.1358T>G, p.Val453Gly (NM_001346549.2); c.1481T>G, p.Val494Gly (NM_001346546.2); c.1478T>G, p.Val493Gly (NM_001346547.2); c.1478T>G (NM_000755.3); short protein forms V472G, V453G, V493G, V494G.
Identifiers: ClinVar variation 3001530 (VCV003001530.4), dbSNP rs776369491, ClinGen allele CA5275355.

ClinVar aggregate classification (germline): Uncertain significance. Review status: criteria provided, multiple submitters, no conflicts (2 of 4 stars). 2 submissions from 2 submitters: Uncertain significance (2). Last evaluated 2025-04-25.

Allele frequency attached by ClinVar (database versions not stated): gnomAD 0.00001; gnomAD exomes 0.00001; TOPMed 0.00002; ExAC 0.00004.
gnomAD v4.1: 10 of 1,566,188 alleles (0.00064%); highest among the groups gnomAD compares: East Asian, 0.019%; no homozygotes.

Submissions (2):

Ambry Genetics
Classification: Uncertain significance. Last evaluated: 2025-04-25. Review status: criteria provided, single submitter. Criteria: Ambry Variant Classification Scheme 2023. Collection method: clinical testing. Allele origin: germline.

Labcorp Genetics (formerly Invitae), Labcorp
Classification: Uncertain significance. Last evaluated: 2024-08-20. Review status: criteria provided, single submitter. Criteria: Invitae Variant Classification Sherloc (09022015). Collection method: clinical testing. Allele origin: germline.
Comment: This sequence change replaces valine, which is neutral and non-polar, with glycine, which is neutral and non-polar, at codon 493 of the CRAT protein (p.Val493Gly). This variant is present in population databases (rs776369491, gnomAD 0.03%). This variant has not been reported in the literature in individuals affected with CRAT-related conditions. Invitae Evidence Modeling of protein sequence and biophysical properties (such as structural, functional, and spatial information, amino acid conservation, physicochemical variation, residue mobility, and thermodynamic stability) indicates that this missense variant is not expected to disrupt CRAT protein function with a negative predictive value of 80%. In summary, the available evidence is currently insufficient to determine the role of this variant in disease. Therefore, it has been classified as a Variant of Uncertain Significance.